The following is an entry in ClinVar:

NM_001035.3(RYR2):c.3930C>T (p.Cys1310=)

Genes: RYR2 (ryanodine receptor 2; plus strand), LOC126806067 (BRD4-independent group 4 enhancer GRCh37_chr1:237753258-237754457; plus strand). Cytogenetic location: 1q43.
Variant type: single nucleotide variant.
Coding change: c.3930C>T on transcript NM_001035.3 (MANE Select); coding-DNA position 3930, C replaced by T.
Protein change: p.Cys1310=; no amino-acid change (cysteine 1310 retained).
Molecular consequence: synonymous variant.
Genome position (GRCh38, 1-based): chr1:237,590,762, C>T. VCF-style: chr1-237590762-C-T. GRCh37 (hg19) VCF-style: chr1-237754062-C-T.
Identifiers: ClinVar variation 759369 (VCV000759369.16), dbSNP rs764454542, ClinGen allele CA072293.

ClinVar aggregate classification (germline): Likely benign. Review status: criteria provided, multiple submitters, no conflicts (2 of 4 stars). 4 submissions from 4 submitters: Likely benign (4). Last evaluated 2026-06-01.

Conditions:
Cardiomyopathy (CMYO). Also called: Cardiomyopathies. Identifiers: Orphanet 167848, MedGen C0878544, MONDO:0004994, HP:0001638. Inheritance: Various modes of inheritance.
Catecholaminergic polymorphic ventricular tachycardia 1. Also called: RYR2-Related Catecholaminergic Polymorphic Ventricular Tachycardia; VENTRICULAR TACHYCARDIA, CATECHOLAMINERGIC POLYMORPHIC, 1, WITH OR WITHOUT ATRIAL DYSFUNCTION AND/OR DILATED CARDIOMYOPATHY; VENTRICULAR TACHYCARDIA, STRESS-INDUCED POLYMORPHIC 1. Identifiers: Orphanet 3286, MedGen C1631597, MONDO:0011484, OMIM 604772.

Allele frequency attached by ClinVar (database versions not stated): gnomAD 0.00001; gnomAD exomes 0.00001 and 0.00003; TOPMed 0.00003; ExAC 0.00004.
gnomAD v4.1: 26 of 1,613,758 alleles (0.0016%); highest among the groups gnomAD compares: South Asian, 0.0099%; no homozygotes.

Submissions (4):

CeGaT Center for Human Genetics Tuebingen
Classification: Likely benign. Last evaluated: 2026-06-01. Review status: criteria provided, single submitter. Criteria: CeGaT Center For Human Genetics Tuebingen Variant Classification Criteria Version 2. Collection method: clinical testing. Allele origin: germline. Affected: yes. Observed: 1 variant allele.
Comment: RYR2: BP4, BP7

Labcorp Genetics (formerly Invitae), Labcorp
Classification: Likely benign for Catecholaminergic polymorphic ventricular tachycardia 1. Last evaluated: 2025-10-27. Review status: criteria provided, single submitter. Criteria: Invitae Variant Classification Sherloc (09022015). Collection method: clinical testing. Allele origin: germline.

Blueprint Genetics
Classification: Likely benign. Last evaluated: 2023-07-27. Review status: criteria provided, single submitter. Criteria: ACMG Guidelines, 2015. Collection method: clinical testing. Allele origin: germline.

Color Diagnostics, LLC DBA Color Health
Classification: Likely benign for Cardiomyopathy. Last evaluated: 2022-11-06. Review status: criteria provided, single submitter. Criteria: ACMG Guidelines, 2015. Collection method: clinical testing. Allele origin: germline.